The following is an entry in ClinVar:

ClinVar aggregate classification (germline): Uncertain significance (1 of 4 stars; one submission).

gnomAD v4.1: 4 of 1,318,408 alleles (0.0003%); highest among the groups gnomAD compares: Non-Finnish European, 0.00044%; no homozygotes.

Submission:

GeneDx
Classification: Uncertain significance. Last evaluated: 2025-08-09. Review status: criteria provided, single submitter. Criteria: GeneDx Variant Classification Process June 2021. Collection method: clinical testing. Allele origin: germline. Affected: yes.
Comment: Reported previously in a patient with features suggestive of giant axonal neuropathy who also harbored a microdeletion containing the GAN gene (PMID: 24211141); Not observed at significant frequency in large population cohorts (gnomAD); In silico analysis supports a deleterious effect on splicing; This variant is associated with the following publications: (PMID: 24211141)

NM_022041.4(GAN):c.282+3A>G

Gene: GAN (gigaxonin; plus strand). Cytogenetic location: 16q23.2.
Variant type: single nucleotide variant.
Coding change: c.282+3A>G on transcript NM_022041.4 (MANE Select); 3 bases into the intron after coding-DNA position 282, A replaced by G.
Molecular consequence: intron variant.
Genome position (GRCh38, 1-based): chr16:81,351,700, A>G. VCF-style: chr16-81351700-A-G. GRCh37 (hg19) VCF-style: chr16-81385305-A-G.
Other names: c.-357-2705A>G (NM_001377486.1).
Identifiers: ClinVar variation 4755679 (VCV004755679.1).